The following is an entry in ClinVar:

ClinVar aggregate classification (germline): Uncertain significance. Review status: criteria provided, multiple submitters, no conflicts (2 of 4 stars). 2 submissions from 2 submitters: Uncertain significance (2). Last evaluated 2024-07-11.

Allele frequency attached by ClinVar (database versions not stated): TOPMed below 0.00001; gnomAD 0.00001; gnomAD exomes 0.00002; ESP Exome Variant Server 0.00008.
gnomAD v4.1: 23 of 1,613,964 alleles (0.0014%); highest among the groups gnomAD compares: Non-Finnish European, 0.0019%; no homozygotes.

Submissions (2):

Blueprint Genetics
Classification: Uncertain significance. Last evaluated: 2024-07-11. Review status: criteria provided, single submitter. Criteria: ACMG Guidelines, 2015. Collection method: clinical testing. Allele origin: germline.

Labcorp Genetics (formerly Invitae), Labcorp
Classification: Uncertain significance. Last evaluated: 2023-08-04. Review status: criteria provided, single submitter. Criteria: Invitae Variant Classification Sherloc (09022015). Collection method: clinical testing. Allele origin: germline.
Comment: An algorithm developed to predict the effect of missense changes on protein structure and function (PolyPhen-2) suggests that this variant is likely to be disruptive. In summary, the available evidence is currently insufficient to determine the role of this variant in disease. Therefore, it has been classified as a Variant of Uncertain Significance. This sequence change replaces phenylalanine, which is neutral and non-polar, with leucine, which is neutral and non-polar, at codon 1687 of the ALPK3 protein (p.Phe1687Leu). This variant is present in population databases (rs371495524, gnomAD 0.007%). This variant has not been reported in the literature in individuals affected with ALPK3-related conditions. ClinVar contains an entry for this variant (Variation ID: 1426771).

NM_020778.5(ALPK3):c.4453T>C (p.Phe1485Leu)

Gene: ALPK3 (alpha kinase 3; plus strand). Cytogenetic location: 15q25.3.
Variant type: single nucleotide variant.
Coding change: c.4453T>C on transcript NM_020778.5 (MANE Select); coding-DNA position 4453, T replaced by C.
Protein change: p.Phe1485Leu; replaces phenylalanine 1485 with leucine.
Molecular consequence: missense variant.
Genome position (GRCh38, 1-based): chr15:84,863,594, T>C. VCF-style: chr15-84863594-T-C. GRCh37 (hg19) VCF-style: chr15-85406825-T-C.
Other names: short protein forms F1485L.
Identifiers: ClinVar variation 1426771 (VCV001426771.7), dbSNP rs371495524, ClinGen allele CA273632035.